The following is an entry in ClinVar:

ClinVar aggregate classification (germline): Uncertain significance (1 of 4 stars; one submission).

Conditions:
Multiple endocrine neoplasia, type 2 (MEN2). Identifiers: Orphanet 653, MedGen C4048306, MONDO:0019003. Disease mechanism: gain of function.

Submission:

Labcorp Genetics (formerly Invitae), Labcorp
Classification: Uncertain significance for Multiple endocrine neoplasia, type 2. Last evaluated: 2024-01-11. Review status: criteria provided, single submitter. Criteria: Invitae Variant Classification Sherloc (09022015). Collection method: clinical testing. Allele origin: germline.
Comment: This sequence change replaces arginine, which is basic and polar, with histidine, which is basic and polar, at codon 250 of the RET protein (p.Arg250His). This variant is not present in population databases (gnomAD no frequency). This variant has not been reported in the literature in individuals affected with RET-related conditions. Algorithms developed to predict the effect of missense changes on protein structure and function output the following: SIFT: "Not Available"; PolyPhen-2: "Benign"; Align-GVGD: "Not Available". The histidine amino acid residue is found in multiple mammalian species, which suggests that this missense change does not adversely affect protein function. In summary, the available evidence is currently insufficient to determine the role of this variant in disease. Therefore, it has been classified as a Variant of Uncertain Significance.

NM_020975.6(RET):c.749G>A (p.Arg250His)

Gene: RET (ret proto-oncogene; plus strand). Cytogenetic location: 10q11.21.
Variant type: single nucleotide variant.
Coding change: c.749G>A on transcript NM_020975.6 (MANE Select); coding-DNA position 749, G replaced by A.
Protein change: p.Arg250His; replaces arginine 250 with histidine.
Molecular consequence: missense variant. On other transcripts: 5 prime UTR variant (1), intron variant (22).
Genome position (GRCh38, 1-based): chr10:43,105,075, G>A. VCF-style: chr10-43105075-G-A. GRCh37 (hg19) VCF-style: chr10-43600523-G-A.
Other names: c.749G>A, p.Arg250His (NM_000323.2, NM_001406743.1, NM_001406744.1 and 8 more transcripts); c.-14G>A (NM_001355216.2); c.620G>A, p.Arg207His (NM_001406761.1, NM_001406762.1, NM_001406764.1 and 2 more transcripts); c.461G>A, p.Arg154His (NM_001406766.1, NM_001406767.1, NM_001406770.1); c.625+2446G>A (NM_001406773.1, NM_001406771.1, NM_001406782.1 and 5 more transcripts); c.496+2446G>A (NM_001406786.1, NM_001406783.1); c.338-3956G>A (NM_001406778.1, NM_001406775.1, NM_001406776.1 and 1 more transcripts); c.337+4353G>A (NM_001406790.1, NM_001406788.1, NM_001406789.1 and 1 more transcripts); and 2 more; short protein forms R207H, R250H, R154H.
Identifiers: ClinVar variation 2871313 (VCV002871313.3), dbSNP rs1662568698, ClinGen allele CA376544859.